The following is an entry in ClinVar:

ClinVar aggregate classification (germline): Uncertain significance (1 of 4 stars; one submission).

Submission:

Labcorp Genetics (formerly Invitae), Labcorp
Classification: Uncertain significance. Last evaluated: 2020-08-08. Review status: criteria provided, single submitter. Criteria: Invitae Variant Classification Sherloc (09022015). Collection method: clinical testing. Allele origin: germline.
Comment: In summary, the available evidence is currently insufficient to determine the role of this variant in disease. Therefore, it has been classified as a Variant of Uncertain Significance. Algorithms developed to predict the effect of missense changes on protein structure and function (SIFT, PolyPhen-2, Align-GVGD) all suggest that this variant is likely to be tolerated, but these predictions have not been confirmed by published functional studies and their clinical significance is uncertain. This variant has not been reported in the literature in individuals with TTLL5-related conditions. This variant is not present in population databases (ExAC no frequency). This sequence change replaces leucine with valine at codon 1211 of the TTLL5 protein (p.Leu1211Val). The leucine residue is moderately conserved and there is a small physicochemical difference between leucine and valine.

NM_015072.5(TTLL5):c.3631C>G (p.Leu1211Val)

Gene: TTLL5 (tubulin tyrosine ligase like 5; plus strand). Cytogenetic location: 14q24.3.
Variant type: single nucleotide variant.
Coding change: c.3631C>G on transcript NM_015072.5 (MANE Select); coding-DNA position 3631, C replaced by G.
Protein change: p.Leu1211Val; replaces leucine 1211 with valine.
Molecular consequence: missense variant.
Genome position (GRCh38, 1-based): chr14:75,882,793, C>G. VCF-style: chr14-75882793-C-G. GRCh37 (hg19) VCF-style: chr14-76349136-C-G.
Other names: short protein forms L1211V.
Identifiers: ClinVar variation 1044049 (VCV001044049.8), dbSNP rs779153789, ClinGen allele CA390536965.
Genomic context (GRCh38, chr14:75,882,793, plus strand): 5'-AATAATGGTGCAGGTTGTAGAATTTCCAGTGCCACAGCTAGTGGCCAGAAGCCAACCACT[C>G]TGCCACAAAAAGTGGTACCACCTCCAAGTTCTTGCGCCTCCCTGGTTCCCAAACCCCCAC-3'
Protein context (NP_055887.3, residues 1201-1221): ATASGQKPTT[Leu1211Val]PQKVVPPPSS